The following is an entry in ClinVar:

NM_001042492.3(NF1):c.5475_5478del (p.His1826fs)

Gene: NF1 (neurofibromin 1; plus strand). Cytogenetic location: 17q11.2.
Variant type: Microsatellite.
Coding change: c.5475_5478del on transcript NM_001042492.3 (MANE Select); coding-DNA positions 5475 to 5478, 4 bases deleted (TCAT; older notation c.5475_5478delTCAT).
Protein change: p.His1826fs; shifts the reading frame from histidine 1826.
Molecular consequence: frameshift variant.
Genome position (GRCh38, 1-based): chr17:31,327,705-31,327,708, TCAT deleted; deleting any 4 consecutive bases within chr17:31,327,701-31,327,708 gives the same sequence; the c. name uses the placement nearest the transcript's 3' end. VCF-style (leftmost placement, unchanged base first): chr17-31327700-ATCAT-A. GRCh37 (hg19) VCF-style: chr17-29654718-ATCAT-A.
Other names: c.5408_5411TCAT[1], p.His1805Serfs (NM_000267.4); short protein forms H1826fs, H1805fs.
Identifiers: ClinVar variation 1422843 (VCV001422843.6), dbSNP rs2151541475, ClinGen allele CA2580614089.
Genomic context (GRCh38, chr17:31,327,700, plus strand): 5'-GCAAACCAGGGCACGCCGCTCACCTTCATGCACCAGGAGTGTGAAGCCATTGTCCAGTCT[ATCAT>A]TCATATCCGGACCCGCTGGGAACTGTCACAGCCCGACTCTATCCCCCAACACACCAAGAT-3'

ClinVar aggregate classification (germline): Pathogenic (1 of 4 stars; one submission).

Conditions:
Neurofibromatosis, type 1 (NF1). Also called: VON RECKLINGHAUSEN DISEASE; NEUROFIBROMATOSIS, TYPE I, SOMATIC; Neurofibromatosis, type I; Peripheral type neurofibromatosis. Identifiers: Orphanet 636, MedGen C0027831, MONDO:0018975, OMIM 162200. Disease mechanism: loss of function.

Submission:

Labcorp Genetics (formerly Invitae), Labcorp
Classification: Pathogenic for Neurofibromatosis, type 1. Last evaluated: 2026-01-21. Review status: criteria provided, single submitter. Criteria: Invitae Variant Classification Sherloc (09022015). Collection method: clinical testing. Allele origin: germline.
Comment: This sequence change creates a premature translational stop signal (p.His1805Serfs*36) in the NF1 gene. It is expected to result in an absent or disrupted protein product. Loss-of-function variants in NF1 are known to be pathogenic (PMID: 10712197, 23913538). This variant is not present in population databases (gnomAD no frequency). This variant has not been reported in the literature in individuals affected with NF1-related conditions. ClinVar contains an entry for this variant (Variation ID: 1422843). For these reasons, this variant has been classified as Pathogenic.

Literature cited by the submitters: PubMed 10712197; PubMed 23913538.